The following is an entry in ClinVar:

ClinVar aggregate classification (germline): Likely benign. Review status: criteria provided, multiple submitters, no conflicts (2 of 4 stars). 2 submissions from 2 submitters: Likely benign (2). Last evaluated 2023-06-08.

Conditions:
Malignant hyperthermia, susceptibility to, 1 (MHS1). Also called: Malignant hyperthermia suceptibility 1; Anesthesia related hyperthermia; Malignant hyperpyrexia; Fulminating hyperpyrexia; Pharmacogenic myopathy; RYR1-Related Malignant Hyperthermia Susceptibility. Identifiers: Orphanet 423, MedGen C2930980, MONDO:0007783, OMIM 145600.

Submissions (2):

All of Us Research Program, National Institutes of Health
Classification: Likely benign for Malignant hyperthermia, susceptibility to, 1. Last evaluated: 2023-06-08. Review status: criteria provided, single submitter. Criteria: ACMG Guidelines, 2015. Collection method: clinical testing. Allele origin: germline. Inheritance: Autosomal dominant inheritance. Observed: 1 variant allele, 1 heterozygote.
Comment: This study involves interpretation of variants in research participants for the purpose of population health screening. Participant phenotype was not available at the time of variant classification. Additional details can be found in publication PMID: 35346344, PMCID: PMC8962531

Color Diagnostics, LLC DBA Color Health
Classification: Likely benign for Malignant hyperthermia, susceptibility to, 1. Last evaluated: 2023-03-30. Review status: criteria provided, single submitter. Criteria: ACMG Guidelines, 2015. Collection method: clinical testing. Allele origin: germline.

NM_000540.3(RYR1):c.2361-3C>T

Gene: RYR1 (ryanodine receptor 1; plus strand). Cytogenetic location: 19q13.2.
Variant type: single nucleotide variant.
Coding change: c.2361-3C>T on transcript NM_000540.3 (MANE Select); 3 bases into the intron before coding-DNA position 2361, C replaced by T.
Molecular consequence: intron variant.
Genome position (GRCh38, 1-based): chr19:38,460,372, C>T. VCF-style: chr19-38460372-C-T. GRCh37 (hg19) VCF-style: chr19-38951012-C-T.
Other names: c.2361-3C>T (NM_001042723.2).
Identifiers: ClinVar variation 2774211 (VCV002774211.3), dbSNP rs2514054258, ClinGen allele CA2697556544.